The following is an entry in ClinVar:

ClinVar aggregate classification (germline): Uncertain significance (1 of 4 stars; one submission).

Allele frequency attached by ClinVar (database versions not stated): ESP Exome Variant Server 0.00008; ExAC 0.00013; gnomAD 0.00016.

Submission:

Labcorp Genetics (formerly Invitae), Labcorp
Classification: Uncertain significance. Last evaluated: 2022-04-18. Review status: criteria provided, single submitter. Criteria: Invitae Variant Classification Sherloc (09022015). Collection method: clinical testing. Allele origin: germline.
Comment: This sequence change replaces proline, which is neutral and non-polar, with leucine, which is neutral and non-polar, at codon 353 of the TOE1 protein (p.Pro353Leu). This variant is present in population databases (rs145913038, gnomAD 0.1%). This variant has not been reported in the literature in individuals affected with TOE1-related conditions. Algorithms developed to predict the effect of missense changes on protein structure and function are either unavailable or do not agree on the potential impact of this missense change (SIFT: "Deleterious"; PolyPhen-2: "Benign"; Align-GVGD: "Class C0"). In summary, the available evidence is currently insufficient to determine the role of this variant in disease. Therefore, it has been classified as a Variant of Uncertain Significance.

NM_025077.4(TOE1):c.1058C>T (p.Pro353Leu)

Gene: TOE1 (target of EGR1, exonuclease; plus strand). Cytogenetic location: 1p34.1.
Variant type: single nucleotide variant.
Coding change: c.1058C>T on transcript NM_025077.4 (MANE Select); coding-DNA position 1058, C replaced by T.
Protein change: p.Pro353Leu; replaces proline 353 with leucine.
Molecular consequence: missense variant.
Genome position (GRCh38, 1-based): chr1:45,343,227, C>T. VCF-style: chr1-45343227-C-T. GRCh37 (hg19) VCF-style: chr1-45808899-C-T.
Other names: short protein forms P353L.
Identifiers: ClinVar variation 2199816 (VCV002199816.1), dbSNP rs145913038, ClinGen allele CA826770.